The following is an entry in ClinVar:

ClinVar aggregate classification (germline): Uncertain significance (1 of 4 stars; one submission).

Conditions:
Familial temporal lobe epilepsy 7. Identifiers: Orphanet 101046, MedGen C4225327, MONDO:0014639, OMIM 616436.
Norman-Roberts syndrome (LIS2). Also called: Lissencephaly 2 (Norman-Roberts type). Identifiers: Orphanet 89844, MedGen C0796089, MONDO:0009760, OMIM 257320.

Submission:

Labcorp Genetics (formerly Invitae), Labcorp
Classification: Uncertain significance for Familial temporal lobe epilepsy 7; Norman-Roberts syndrome. Last evaluated: 2023-02-10. Review status: criteria provided, single submitter. Criteria: Invitae Variant Classification Sherloc (09022015). Collection method: clinical testing. Allele origin: germline.
Comment: This sequence change replaces proline, which is neutral and non-polar, with alanine, which is neutral and non-polar, at codon 585 of the RELN protein (p.Pro585Ala). This variant is not present in population databases (gnomAD no frequency). This variant has not been reported in the literature in individuals affected with RELN-related conditions. Advanced modeling of protein sequence and biophysical properties (such as structural, functional, and spatial information, amino acid conservation, physicochemical variation, residue mobility, and thermodynamic stability) has been performed at Invitae for this missense variant, however the output from this modeling did not meet the statistical confidence thresholds required to predict the impact of this variant on RELN protein function. In summary, the available evidence is currently insufficient to determine the role of this variant in disease. Therefore, it has been classified as a Variant of Uncertain Significance.

NM_005045.4(RELN):c.1753C>G (p.Pro585Ala)

Gene: RELN (reelin; minus strand). Cytogenetic location: 7q22.1.
Variant type: single nucleotide variant.
Coding change: c.1753C>G on transcript NM_005045.4 (MANE Select); coding-DNA position 1753, C replaced by G.
Protein change: p.Pro585Ala; replaces proline 585 with alanine.
Molecular consequence: missense variant.
Genome position (GRCh38, 1-based): chr7:103,652,561, G>C on the plus strand (C>G on the coding strand, the complement: RELN is on the minus strand). VCF-style: chr7-103652561-G-C. GRCh37 (hg19) VCF-style: chr7-103293008-G-C.
Other names: c.1753C>G, p.Pro585Ala (NM_173054.3); short protein forms P585A.
Identifiers: ClinVar variation 2944128 (VCV002944128.3), dbSNP rs2484840189, ClinGen allele CA368765290.